The following is an entry in ClinVar:

NM_001710.6(CFB):c.1270+3G>A

Gene: CFB (complement factor B; plus strand). Cytogenetic location: 6p21.33.
Variant type: single nucleotide variant.
Coding change: c.1270+3G>A on transcript NM_001710.6 (MANE Select); 3 bases into the intron after coding-DNA position 1270, G replaced by A.
Molecular consequence: intron variant.
Genome position (GRCh38, 1-based): chr6:31,949,347, G>A. VCF-style: chr6-31949347-G-A. GRCh37 (hg19) VCF-style: chr6-31917124-G-A.
Identifiers: ClinVar variation 3681897 (VCV003681897.2).
Genomic context (GRCh38, chr6:31,949,347, plus strand): 5'-ATCCGGGACTTGCTATACATTGGCAAGGATCGCAAAAACCCAAGGGAGGATTATCTGGGT[G>A]AGTAACCTGCCTAGGACCCAGCACCCCACTTCCTCAGGGCTTGGACCCTCATCCTTCCTT-3'

ClinVar aggregate classification (germline): Uncertain significance (1 of 4 stars; one submission).

Submission:

Labcorp Genetics (formerly Invitae), Labcorp
Classification: Uncertain significance. Last evaluated: 2026-01-02. Review status: criteria provided, single submitter. Criteria: Invitae Variant Classification Sherloc (09022015). Collection method: clinical testing. Allele origin: germline.
Comment: This sequence change falls in intron 9 of the CFB gene. It does not directly change the encoded amino acid sequence of the CFB protein. It affects a nucleotide within the consensus splice site. This variant is not present in population databases (gnomAD no frequency). This variant has not been reported in the literature in individuals affected with CFB-related conditions. ClinVar contains an entry for this variant (Variation ID: 3681897). Variants that disrupt the consensus splice site are a relatively common cause of aberrant splicing (PMID: 17576681, 9536098). Algorithms developed to predict the effect of sequence changes on RNA splicing suggest that this variant is not likely to affect RNA splicing. In summary, the available evidence is currently insufficient to determine the role of this variant in disease. Therefore, it has been classified as a Variant of Uncertain Significance.

Literature cited by the submitters: PubMed 17576681; PubMed 9536098.